The following is an entry in ClinVar:

ClinVar aggregate classification (germline): Uncertain significance (1 of 4 stars; one submission).

Allele frequency attached by ClinVar (database versions not stated): gnomAD exomes below 0.00001; ExAC 0.00001; gnomAD 0.00001; ESP Exome Variant Server 0.00008.
gnomAD v4.1: 8 of 1,613,850 alleles (0.0005%); highest among the groups gnomAD compares: East Asian, 0.0022%; no homozygotes.

Submission:

CeGaT Center for Human Genetics Tuebingen
Classification: Uncertain significance. Last evaluated: 2025-01-01. Review status: criteria provided, single submitter. Criteria: CeGaT Center For Human Genetics Tuebingen Variant Classification Criteria Version 2. Collection method: clinical testing. Allele origin: germline. Affected: yes. Observed: 2 variant alleles.
Comment: PRKD1: PM2, PP3

NM_002742.3(PRKD1):c.1651G>A (p.Gly551Ser)

Gene: PRKD1 (protein kinase D1; minus strand). Cytogenetic location: 14q12.
Variant type: single nucleotide variant.
Coding change: c.1651G>A on transcript NM_002742.3 (MANE Select); coding-DNA position 1651, G replaced by A.
Protein change: p.Gly551Ser; replaces glycine 551 with serine.
Molecular consequence: missense variant.
Genome position (GRCh38, 1-based): chr14:29,630,763, C>T on the plus strand (G>A on the coding strand, the complement: PRKD1 is on the minus strand). VCF-style: chr14-29630763-C-T. GRCh37 (hg19) VCF-style: chr14-30099969-C-T.
Other names: c.1675G>A, p.Gly559Ser (NM_001330069.2); c.1387G>A, p.Gly463Ser (NM_001348390.1); short protein forms G463S, G551S, G559S.
Identifiers: ClinVar variation 2644148 (VCV002644148.24), dbSNP rs375956203, ClinGen allele CA7141114.